The following is an entry in ClinVar:

NM_002968.3(SALL1):c.2278C>T (p.Pro760Ser)

Gene: SALL1 (spalt like transcription factor 1; minus strand). Cytogenetic location: 16q12.1.
Variant type: single nucleotide variant.
Coding change: c.2278C>T on transcript NM_002968.3 (MANE Select); coding-DNA position 2278, C replaced by T.
Protein change: p.Pro760Ser; replaces proline 760 with serine.
Molecular consequence: missense variant.
Genome position (GRCh38, 1-based): chr16:51,139,944, G>A on the plus strand (C>T on the coding strand, the complement: SALL1 is on the minus strand). VCF-style: chr16-51139944-G-A. GRCh37 (hg19) VCF-style: chr16-51173855-G-A.
Other names: c.1987C>T, p.Pro663Ser (NM_001127892.2); short protein forms P760S, P663S.
Identifiers: ClinVar variation 499155 (VCV000499155.8), dbSNP rs140384285, ClinGen allele CA8053135.

ClinVar aggregate classification (germline): Uncertain significance. Review status: criteria provided, multiple submitters, no conflicts (2 of 4 stars). 4 submissions from 4 submitters: Uncertain significance (4). Last evaluated 2025-07-16.

Conditions:
Townes-Brocks syndrome 1 (TBS1). Also called: SALL1-Related Townes-Brocks Syndrome; DEAFNESS, SENSORINEURAL, WITH IMPERFORATE ANUS AND THUMB ANOMALIES; REAR SYNDROME; RENAL-EAR-ANAL-RADIAL SYNDROME. Identifiers: Orphanet 857, MedGen C4551481, MONDO:0054581, OMIM 107480.

Allele frequency attached by ClinVar (database versions not stated): ESP Exome Variant Server 0.00008; gnomAD exomes 0.00001 and 0.00002; ExAC 0.00002; TOPMed 0.00003; gnomAD 0.00005.

Submissions (4):

GeneDx
Classification: Uncertain significance. Last evaluated: 2025-07-16. Review status: criteria provided, single submitter. Criteria: GeneDx Variant Classification Process June 2021. Collection method: clinical testing. Allele origin: germline. Affected: yes.
Comment: In silico analysis supports that this missense variant has a deleterious effect on protein structure/function; Has not been previously published as pathogenic or benign to our knowledge

Johns Hopkins Genomics, Johns Hopkins University
Classification: Uncertain significance for Townes-Brocks syndrome 1. Last evaluated: 2022-04-29. Review status: criteria provided, single submitter. Criteria: ACMG Guidelines, 2015. Collection method: clinical testing. Allele origin: germline.
Comment: This SALL1 missense variant (rs140384285) is rare (<0.1%) in a large population dataset (gnomAD:6/282886 total alleles; 0.0021%; no homozygotes). It has an entry in ClinVar (Variation ID 499155), and has not been reported in the literature to our knowledge. Three bioinformatic tools queried predict that this substitution would be damaging, and the proline residue at this position is evolutionarily conserved across most species assessed. We consider the clinical significance of c.2278C>T to be uncertain at this time.

Fulgent Genetics
Classification: Uncertain significance for Townes-Brocks syndrome 1. Last evaluated: 2022-04-09. Review status: criteria provided, single submitter. Criteria: ACMG Guidelines, 2015. Collection method: clinical testing. Allele origin: unknown.

Eurofins Ntd Llc (ga)
Classification: Uncertain significance. Last evaluated: 2017-01-09. Review status: criteria provided, single submitter. Criteria: EGL Classification Definitions 2015. Collection method: clinical testing. Allele origin: germline. Observed: 1 variant allele, 1 heterozygote.

Literature cited by the submitters: PubMed 16088922 (cited by Johns Hopkins Genomics, Johns Hopkins University); PubMed 20301618 (cited by Johns Hopkins Genomics, Johns Hopkins University); PubMed 9973281 (cited by Johns Hopkins Genomics, Johns Hopkins University).